The following is an entry in ClinVar:

NC_000023.10:g.(?_31332523)_(31497240_?)del

Gene: DMD (dystrophin; minus strand). Cytogenetic location: Xp21.2.
Variant type: Deletion.
Identifiers: ClinVar variation 1072540 (VCV001072540.8).

ClinVar aggregate classification (germline): Pathogenic (1 of 4 stars; one submission).

Conditions:
Duchenne muscular dystrophy (DMD). Also called: MUSCULAR DYSTROPHY, PSEUDOHYPERTROPHIC PROGRESSIVE, DUCHENNE TYPE; Duchenne Muscular Dystrophy (DMD). Identifiers: Orphanet 98896, MedGen C0013264, MONDO:0010679, OMIM 310200.

Submission:

Labcorp Genetics (formerly Invitae), Labcorp
Classification: Pathogenic for Duchenne muscular dystrophy. Last evaluated: 2016-09-26. Review status: criteria provided, single submitter. Criteria: Invitae Variant Classification Sherloc (09022015). Collection method: clinical testing. Allele origin: germline.
Comment: This variant is a gross deletion of the genomic region encompassing exons 58-62 of the DMD gene. This creates a premature translational stop signal and is expected to result in an absent or disrupted protein product. Truncating variants in DMD are known to be pathogenic (PMID: 16770791). This variant has been reported in individuals in the Universal Mutation Database (PMID: 22144684). For these reasons, this variant has been classified as Pathogenic.

Literature cited by the submitters: PubMed 16770791; PubMed 22144684.